The following is an entry in ClinVar:

NM_020732.3:c.6732dup

Gene: ARID1B (AT-rich interaction domain 1B; plus strand).
Variant type: Duplication.
Other names: c.6732dup (NM_020732.3).
Identifiers: ClinVar variation 4755907 (VCV004755907.1).

ClinVar aggregate classification (germline): Uncertain significance (1 of 4 stars; one submission).

Submission:

GeneDx
Classification: Uncertain significance. Last evaluated: 2025-07-30. Review status: criteria provided, single submitter. Criteria: GeneDx Variant Classification Process June 2021. Collection method: clinical testing. Allele origin: germline. Affected: yes.
Comment: Not observed at significant frequency in large population cohorts (gnomAD); Frameshift variant predicted to result in abnormal protein length as the last 5 amino acid(s) are replaced with 7 different amino acid(s); Has not been previously published as pathogenic or benign to our knowledge